The following is an entry in ClinVar:

NM_012064.4(MIP):c.*505T>C

Gene: MIP (major intrinsic protein of lens fiber; minus strand). Cytogenetic location: 12q13.3.
Variant type: single nucleotide variant.
Coding change: c.*505T>C on transcript NM_012064.4 (MANE Select); 505 bases downstream of the stop codon, T replaced by C.
Molecular consequence: 3 prime UTR variant.
Genome position (GRCh38, 1-based): chr12:56,450,775, A>G on the plus strand (T>C on the coding strand, the complement: MIP is on the minus strand). VCF-style: chr12-56450775-A-G. GRCh37 (hg19) VCF-style: chr12-56844559-A-G.
Identifiers: ClinVar variation 309875 (VCV000309875.6), dbSNP rs774053, ClinGen allele CA10638149.

ClinVar aggregate classification (germline): Benign. Review status: criteria provided, multiple submitters, no conflicts (2 of 4 stars). 2 submissions from 2 submitters: Benign (2). Last evaluated 2017-04-27.

Conditions:
Cataract 15 multiple types. Also called: CATARACT 15, LAMELLAR WITH SUTURAL OPACITIES. Identifiers: Orphanet 91492, MedGen C3809001, MONDO:0014110, OMIM 615274.

Allele frequency attached by ClinVar (database versions not stated): TOPMed 0.83155; 1000 Genomes Project 0.85304; 1000 Genomes Project 30x 0.84869; gnomAD exomes 0.94197; gnomAD 0.83411 and 0.84251.
gnomAD v4.1: 138,809 of 163,274 alleles (85%); highest among the groups gnomAD compares: East Asian, 100%; 60,703 homozygotes.

Submissions (2):

Illumina Laboratory Services, Illumina
Classification: Benign for Cataract 15 multiple types. Last evaluated: 2017-04-27. Review status: criteria provided, single submitter. Criteria: ICSL Variant Classification Criteria 13 December 2019. Collection method: clinical testing. Allele origin: germline.
Comment: This variant was observed as part of a predisposition screen in an ostensibly healthy population. A literature search was performed for the gene, cDNA change, and amino acid change (where applicable). No publications were found based on this search. Allele frequency data from public databases was too high to be consistent with this variant causing disease. Therefore, this variant is classified as benign.

Breakthrough Genomics
Classification: Benign. Review status: criteria provided, single submitter. Criteria: ACMG Guidelines, 2015. Collection method: not provided. Allele origin: germline. Inheritance: Autosomal dominant inheritance. Affected: yes.